The following is an entry in ClinVar:

ClinVar aggregate classification (germline): Likely benign. Review status: criteria provided, multiple submitters, no conflicts (2 of 4 stars). 4 submissions from 4 submitters: Likely benign (3). 1 of the submissions does not count toward it. Last evaluated 2025-12-15.

Conditions:
Dilated cardiomyopathy 1G (CMD1G). Identifiers: Orphanet 154, MedGen C1858763, MONDO:0011400, OMIM 604145.
Autosomal recessive limb-girdle muscular dystrophy type 2J (LGMDR10). Also called: Limb-girdle muscular dystrophy, type 2J; MUSCULAR DYSTROPHY, LIMB-GIRDLE, AUTOSOMAL RECESSIVE 10. Identifiers: Orphanet 140922, MedGen C1837342, MONDO:0012127, OMIM 608807.
TTN-related disorder. Also called: TTN-related disorders; TTN-related condition; TTN-related disease.
Cardiovascular phenotype. Identifiers: MedGen CN230736.

Allele frequency attached by ClinVar (database versions not stated): gnomAD exomes 0.00002; TOPMed 0.00003.
gnomAD v4.1: 11 of 1,610,666 alleles (0.00068%); highest among the groups gnomAD compares: Admixed American, 0.017%; no homozygotes.

Submissions (4):

Labcorp Genetics (formerly Invitae), Labcorp
Classification: Likely benign for Dilated cardiomyopathy 1G; Autosomal recessive limb-girdle muscular dystrophy type 2J. Last evaluated: 2025-12-15. Review status: criteria provided, single submitter. Criteria: Invitae Variant Classification Sherloc (09022015). Collection method: clinical testing. Allele origin: germline.

Ambry Genetics
Classification: Likely benign for Cardiovascular phenotype. Last evaluated: 2025-08-09. Review status: criteria provided, single submitter. Criteria: Ambry Variant Classification Scheme 2023. Collection method: clinical testing. Allele origin: germline.

GeneDx
Classification: Likely benign. Last evaluated: 2020-08-05. Review status: criteria provided, single submitter. Criteria: GeneDx Variant Classification Process June 2021. Collection method: clinical testing. Allele origin: germline. Affected: yes.

PreventionGenetics, part of Exact Sciences
Classification: Likely benign for TTN-related condition. Last evaluated: 2019-08-02. Review status: no assertion criteria provided. Collection method: clinical testing. Allele origin: germline. Not counted in ClinVar's aggregate classification.
Comment: This variant is classified as likely benign based on ACMG/AMP sequence variant interpretation guidelines (Richards et al. 2015 PMID: 25741868, with internal and published modifications).

NM_001267550.2(TTN):c.69393C>T (p.Val23131=)

Genes: TTN (titin; minus strand), TTN-AS1 (TTN antisense RNA 1; plus strand). Cytogenetic location: 2q31.2.
Variant type: single nucleotide variant.
Coding change: c.69393C>T on transcript NM_001267550.2 (MANE Select); coding-DNA position 69393, C replaced by T.
Protein change: p.Val23131=; no amino-acid change (valine 23131 retained).
Molecular consequence: synonymous variant.
Genome position (GRCh38, 1-based): chr2:178,576,942, G>A on the plus strand (C>T on the coding strand, the complement: TTN is on the minus strand). VCF-style: chr2-178576942-G-A. GRCh37 (hg19) VCF-style: chr2-179441669-G-A.
Other names: c.64470C>T, p.Val21490= (NM_001256850.1); c.42198C>T, p.Val14066= (NM_003319.4); c.61689C>T, p.Val20563= (NM_133378.4); c.42573C>T, p.Val14191= (NM_133432.3); c.42774C>T, p.Val14258= (NM_133437.4).
Identifiers: ClinVar variation 509655 (VCV000509655.55), dbSNP rs727504692, ClinGen allele CA430258865.